The following is an entry in ClinVar:

NM_004700.4(KCNQ4):c.493G>A (p.Gly165Ser)

Gene: KCNQ4 (potassium voltage-gated channel subfamily Q member 4; plus strand). Cytogenetic location: 1p34.2.
Variant type: single nucleotide variant.
Coding change: c.493G>A on transcript NM_004700.4 (MANE Select); coding-DNA position 493, G replaced by A.
Protein change: p.Gly165Ser; replaces glycine 165 with serine.
Molecular consequence: missense variant.
Genome position (GRCh38, 1-based): chr1:40,818,251, G>A. VCF-style: chr1-40818251-G-A. GRCh37 (hg19) VCF-style: chr1-41283923-G-A.
Other names: c.493G>A, p.Gly165Ser (NM_172163.3); short protein forms G165S.
Identifiers: ClinVar variation 1493152 (VCV001493152.8), dbSNP rs2148317962, ClinGen allele CA339893908.
Genomic context (GRCh38, chr1:40,818,251, plus strand): 5'-TTGGAGTACATCGTCCGGGTCTGGTCCGCCGGATGCTGCTGCCGCTACCGAGGATGGCAG[G>A]GTCGCTTCCGCTTTGCCAGAAAGCCCTTCTGTGTCATCGGTAATGAGGCGCGCCCCGCCC-3'
Protein context (NP_004691.2, residues 155-175): GCCCRYRGWQ[Gly165Ser]RFRFARKPFC

ClinVar aggregate classification (germline): Uncertain significance (1 of 4 stars; one submission).

Submission:

Labcorp Genetics (formerly Invitae), Labcorp
Classification: Uncertain significance. Last evaluated: 2022-08-09. Review status: criteria provided, single submitter. Criteria: Invitae Variant Classification Sherloc (09022015). Collection method: clinical testing. Allele origin: germline.
Comment: In summary, the available evidence is currently insufficient to determine the role of this variant in disease. Therefore, it has been classified as a Variant of Uncertain Significance. Advanced modeling of protein sequence and biophysical properties (such as structural, functional, and spatial information, amino acid conservation, physicochemical variation, residue mobility, and thermodynamic stability) performed at Invitae indicates that this missense variant is expected to disrupt KCNQ4 protein function. ClinVar contains an entry for this variant (Variation ID: 1493152). This variant has not been reported in the literature in individuals affected with KCNQ4-related conditions. This variant is not present in population databases (gnomAD no frequency). This sequence change replaces glycine, which is neutral and non-polar, with serine, which is neutral and polar, at codon 165 of the KCNQ4 protein (p.Gly165Ser).